The following is an entry in ClinVar:

NM_000059.4(BRCA2):c.1363T>C (p.Ser455Pro)

Gene: BRCA2 (BRCA2 DNA repair associated; plus strand). Cytogenetic location: 13q13.1.
Variant type: single nucleotide variant.
Coding change: c.1363T>C on transcript NM_000059.4 (MANE Select); coding-DNA position 1363, T replaced by C.
Protein change: p.Ser455Pro; replaces serine 455 with proline.
Molecular consequence: missense variant.
Genome position (GRCh38, 1-based): chr13:32,332,841, T>C. VCF-style: chr13-32332841-T-C. GRCh37 (hg19) VCF-style: chr13-32906978-T-C.
Other names: short protein forms S455P.
Identifiers: ClinVar variation 951051 (VCV000951051.12), dbSNP rs747592488, ClinGen allele CA387762858.
Genomic context (GRCh38, chr13:32,332,841, plus strand): 5'-AGAAAGAAAGATTTTCTTACTTCAGAGAATTCTTTGCCACGTATTTCTAGCCTACCAAAA[T>C]CAGAGAAGCCATTAAATGAGGAAACAGTGGTAAATAAGAGAGATGAAGAGCAGCATCTTG-3'
Protein context (NP_000050.3, residues 445-465): SLPRISSLPK[Ser455Pro]EKPLNEETVV

ClinVar aggregate classification (germline): Conflicting classifications of pathogenicity. Review status: criteria provided, conflicting classifications (1 of 4 stars). 3 submissions from 3 submitters: Uncertain significance (2); Likely benign (1). Last evaluated 2026-01-19.

Conditions:
Hereditary breast ovarian cancer syndrome. Also called: Hereditary breast and ovarian cancer; Breast and ovarian cancer; BRCA1- and BRCA2-Associated Hereditary Breast and Ovarian Cancer; Hereditary breast and ovarian cancer syndrome (HBOC); Hereditary breast and/or ovarian cancer syndrome; Hereditary breast and ovarian cancer syndrome. Identifiers: Orphanet 145, MedGen C0677776, MeSH D061325, MONDO:0003582. Disease mechanism: loss of function.
Hereditary cancer-predisposing syndrome. Also called: Tumor predisposition; Hereditary neoplastic syndrome; Hereditary Cancer Syndrome; Neoplastic Syndromes, Hereditary. Identifiers: Orphanet 140162, MedGen C0027672, MeSH D009386, MONDO:0015356.

Submissions (3):

Ambry Genetics
Classification: Uncertain significance for Hereditary cancer-predisposing syndrome. Last evaluated: 2026-01-19. Review status: criteria provided, single submitter. Criteria: Ambry Variant Classification Scheme 2023. Collection method: clinical testing. Allele origin: germline.
Comment: The p.S455P variant (also known as c.1363T>C), located in coding exon 9 of the BRCA2 gene, results from a T to C substitution at nucleotide position 1363. The serine at codon 455 is replaced by proline, an amino acid with similar properties. This amino acid position is conserved. In addition, this alteration is predicted to be tolerated by in silico analysis. Based on the available evidence, the clinical significance of this variant remains unclear.

University of Washington Department of Laboratory Medicine, University of Washington
Classification: Likely benign for Hereditary cancer-predisposing syndrome. Last evaluated: 2023-03-23. Review status: criteria provided, single submitter. Criteria: Dines et al. (Genet Med. 2020). Collection method: curation. Allele origin: germline.
Comment: Missense variant in a coldspot region where missense variants are very unlikely to be pathogenic (PMID:31911673).

BRCA2 exon 10 coldspot. Reclassification based on statistical prior probability.

Labcorp Genetics (formerly Invitae), Labcorp
Classification: Uncertain significance for Hereditary breast ovarian cancer syndrome. Last evaluated: 2023-02-21. Review status: criteria provided, single submitter. Criteria: Invitae Variant Classification Sherloc (09022015). Collection method: clinical testing. Allele origin: germline.
Comment: In summary, the available evidence is currently insufficient to determine the role of this variant in disease. Therefore, it has been classified as a Variant of Uncertain Significance. Advanced modeling of protein sequence and biophysical properties (such as structural, functional, and spatial information, amino acid conservation, physicochemical variation, residue mobility, and thermodynamic stability) performed at Invitae indicates that this missense variant is not expected to disrupt BRCA2 protein function. ClinVar contains an entry for this variant (Variation ID: 951051). This variant has not been reported in the literature in individuals affected with BRCA2-related conditions. This variant is not present in population databases (gnomAD no frequency). This sequence change replaces serine, which is neutral and polar, with proline, which is neutral and non-polar, at codon 455 of the BRCA2 protein (p.Ser455Pro).